The following is an entry in ClinVar:

NM_005751.5(AKAP9):c.2904G>C (p.Gln968His)

Gene: AKAP9 (A-kinase anchoring protein 9; plus strand). Cytogenetic location: 7q21.2.
Variant type: single nucleotide variant.
Coding change: c.2904G>C on transcript NM_005751.5 (MANE Select); coding-DNA position 2904, G replaced by C.
Protein change: p.Gln968His; replaces glutamine 968 with histidine.
Molecular consequence: missense variant.
Genome position (GRCh38, 1-based): chr7:92,002,821, G>C. VCF-style: chr7-92002821-G-C. GRCh37 (hg19) VCF-style: chr7-91632135-G-C.
Other names: c.2904G>C, p.Gln968His (NM_147185.3); short protein forms Q968H.
Identifiers: ClinVar variation 4714728 (VCV004714728.1).

ClinVar aggregate classification (germline): Uncertain significance (1 of 4 stars; one submission).

Conditions:
Long QT syndrome (LQTS). Identifiers: MedGen C0023976, MeSH D008133, MONDO:0002442. Disease mechanism: loss of function. Inheritance: Various modes of inheritance.

gnomAD v4.1: 2 of 1,613,590 alleles (0.00012%); highest among the groups gnomAD compares: Middle Eastern, 0.033%; no homozygotes.

Submission:

Labcorp Genetics (formerly Invitae), Labcorp
Classification: Uncertain significance for Long QT syndrome. Last evaluated: 2025-06-22. Review status: criteria provided, single submitter. Criteria: Invitae Variant Classification Sherloc (09022015). Collection method: clinical testing. Allele origin: germline.
Comment: This sequence change replaces glutamine, which is neutral and polar, with histidine, which is basic and polar, at codon 968 of the AKAP9 protein (p.Gln968His). This variant is not present in population databases (gnomAD no frequency). This variant has not been reported in the literature in individuals affected with AKAP9-related conditions. An algorithm developed to predict the effect of missense changes on protein structure and function (PolyPhen-2) suggests that this variant is likely to be disruptive. In summary, the available evidence is currently insufficient to determine the role of this variant in disease. Therefore, it has been classified as a Variant of Uncertain Significance.